The following is an entry in ClinVar:

ClinVar aggregate classification (germline): Uncertain significance (1 of 4 stars; one submission).

Conditions:
Primary ciliary dyskinesia. Also called: Ciliary dyskinesia. Identifiers: Orphanet 244, MedGen C0008780, MONDO:0016575, HP:0012265.

Submission:

Labcorp Genetics (formerly Invitae), Labcorp
Classification: Uncertain significance for Primary ciliary dyskinesia. Last evaluated: 2024-03-03. Review status: criteria provided, single submitter. Criteria: Invitae Variant Classification Sherloc (09022015). Collection method: clinical testing. Allele origin: germline.
Comment: This sequence change replaces methionine, which is neutral and non-polar, with isoleucine, which is neutral and non-polar, at codon 1974 of the DNAH5 protein (p.Met1974Ile). This variant is present in population databases (rs200798675, gnomAD 0.002%). This variant has not been reported in the literature in individuals affected with DNAH5-related conditions. Advanced modeling of protein sequence and biophysical properties (such as structural, functional, and spatial information, amino acid conservation, physicochemical variation, residue mobility, and thermodynamic stability) performed at Invitae indicates that this missense variant is not expected to disrupt DNAH5 protein function with a negative predictive value of 95%. In summary, the available evidence is currently insufficient to determine the role of this variant in disease. Therefore, it has been classified as a Variant of Uncertain Significance.

NM_001369.3(DNAH5):c.5922G>T (p.Met1974Ile)

Gene: DNAH5 (dynein axonemal heavy chain 5; minus strand). Cytogenetic location: 5p15.2.
Variant type: single nucleotide variant.
Coding change: c.5922G>T on transcript NM_001369.3 (MANE Select); coding-DNA position 5922, G replaced by T.
Protein change: p.Met1974Ile; replaces methionine 1974 with isoleucine.
Molecular consequence: missense variant.
Genome position (GRCh38, 1-based): chr5:13,830,736, C>A on the plus strand (G>T on the coding strand, the complement: DNAH5 is on the minus strand). VCF-style: chr5-13830736-C-A. GRCh37 (hg19) VCF-style: chr5-13830845-C-A.
Other names: short protein forms M1974I.
Identifiers: ClinVar variation 3705160 (VCV003705160.2).